The following is an entry in ClinVar:

ClinVar aggregate classification (germline): Conflicting classifications of pathogenicity. Review status: criteria provided, conflicting classifications (1 of 4 stars). 2 submissions from 2 submitters: Uncertain significance (1); Likely benign (1). Last evaluated 2021-09-10.

Conditions:
Familial sleep-related hypermotor epilepsy. Also called: Autosomal Dominant Sleep-Related Hypermotor (Hyperkinetic) Epilepsy. Identifiers: Orphanet 98784, MedGen C3696898, MONDO:0000030.

Allele frequency attached by ClinVar (database versions not stated): gnomAD exomes 0.00001 and 0.00002; TOPMed 0.00001.
gnomAD v4.1: 28 of 1,539,008 alleles (0.0018%); highest among the groups gnomAD compares: Non-Finnish European, 0.0023%; no homozygotes.

Submissions (2):

Labcorp Genetics (formerly Invitae), Labcorp
Classification: Uncertain significance. Last evaluated: 2021-09-10. Review status: criteria provided, single submitter. Criteria: Invitae Variant Classification Sherloc (09022015). Collection method: clinical testing. Allele origin: germline.
Comment: This sequence change replaces aspartic acid with asparagine at codon 385 of the CHRNB2 protein (p.Asp385Asn). The aspartic acid residue is moderately conserved and there is a small physicochemical difference between aspartic acid and asparagine. The frequency data for this variant in the population databases is considered unreliable, as metrics indicate insufficient coverage at this position in the ExAC database. This variant has not been reported in the literature in individuals affected with CHRNB2-related conditions. ClinVar contains an entry for this variant (Variation ID: 668284). Advanced modeling of protein sequence and biophysical properties (such as structural, functional, and spatial information, amino acid conservation, physicochemical variation, residue mobility, and thermodynamic stability) performed at Invitae indicates that this missense variant is not expected to disrupt CHRNB2 protein function. In summary, the available evidence is currently insufficient to determine the role of this variant in disease. Therefore, it has been classified as a Variant of Uncertain Significance.

GeneDx
Classification: Likely benign. Last evaluated: 2018-05-10. Review status: criteria provided, single submitter. Criteria: GeneDx Variant Classification (06012015). Collection method: clinical testing. Allele origin: germline. Affected: yes.
Comment: This variant is considered likely benign or benign based on one or more of the following criteria: it is a conservative change, it occurs at a poorly conserved position in the protein, it is predicted to be benign by multiple in silico algorithms, and/or has population frequency not consistent with disease.

NM_000748.3(CHRNB2):c.1153G>A (p.Asp385Asn)

Gene: CHRNB2 (cholinergic receptor nicotinic beta 2 subunit; plus strand). Cytogenetic location: 1q21.3.
Variant type: single nucleotide variant.
Coding change: c.1153G>A on transcript NM_000748.3 (MANE Select); coding-DNA position 1153, G replaced by A.
Protein change: p.Asp385Asn; replaces aspartic acid 385 with asparagine.
Molecular consequence: missense variant.
Genome position (GRCh38, 1-based): chr1:154,571,976, G>A. VCF-style: chr1-154571976-G-A. GRCh37 (hg19) VCF-style: chr1-154544452-G-A.
Other names: short protein forms D385N.
Identifiers: ClinVar variation 668284 (VCV000668284.8), dbSNP rs932622161, ClinGen allele CA30835025.